The following is an entry in ClinVar:

NM_001386135.1(AFF3):c.1268G>T (p.Ser423Ile)

Gene: AFF3 (ALF transcription elongation factor 3; minus strand). Cytogenetic location: 2q11.2.
Variant type: single nucleotide variant.
Coding change: c.1268G>T on transcript NM_001386135.1 (MANE Select); coding-DNA position 1268, G replaced by T.
Protein change: p.Ser423Ile; replaces serine 423 with isoleucine.
Molecular consequence: missense variant.
Genome position (GRCh38, 1-based): chr2:99,601,538, C>A on the plus strand (G>T on the coding strand, the complement: AFF3 is on the minus strand). VCF-style: chr2-99601538-C-A. GRCh37 (hg19) VCF-style: chr2-100218000-C-A.
Other names: c.1343G>T, p.Ser448Ile (NM_001025108.2); c.1268G>T, p.Ser423Ile (NM_002285.3); short protein forms S423I, S448I.
Identifiers: ClinVar variation 3898949 (VCV003898949.1).

ClinVar aggregate classification (germline): Uncertain significance (1 of 4 stars; one submission).

Submission:

GeneDx
Classification: Uncertain significance. Last evaluated: 2024-11-08. Review status: criteria provided, single submitter. Criteria: GeneDx Variant Classification Process June 2021. Collection method: clinical testing. Allele origin: germline. Affected: yes.
Comment: Not observed at significant frequency in large population cohorts (gnomAD); In silico analysis supports that this missense variant has a deleterious effect on protein structure/function; Has not been previously published as pathogenic or benign to our knowledge